The following is an entry in ClinVar:

ClinVar aggregate classification (germline): Uncertain significance (1 of 4 stars; one submission).

Conditions:
Usher syndrome type 3B. Also called: USHER SYNDROME, TYPE IIIB. Identifiers: MedGen C3281066, MONDO:0013788, OMIM 614504.

Allele frequency attached by ClinVar (database versions not stated): gnomAD exomes below 0.00001.

Submission:

Labcorp Genetics (formerly Invitae), Labcorp
Classification: Uncertain significance for Usher syndrome type 3B. Last evaluated: 2022-02-05. Review status: criteria provided, single submitter. Criteria: Invitae Variant Classification Sherloc (09022015). Collection method: clinical testing. Allele origin: germline.
Comment: In summary, the available evidence is currently insufficient to determine the role of this variant in disease. Therefore, it has been classified as a Variant of Uncertain Significance. Algorithms developed to predict the effect of sequence changes on RNA splicing suggest that this variant may create or strengthen a splice site. Algorithms developed to predict the effect of missense changes on protein structure and function are either unavailable or do not agree on the potential impact of this missense change (SIFT: "Tolerated"; PolyPhen-2: "Possibly Damaging"; Align-GVGD: "Class C0"). This variant has not been reported in the literature in individuals affected with HARS-related conditions. This variant is present in population databases (no rsID available, gnomAD 0.006%). This sequence change replaces lysine, which is basic and polar, with arginine, which is basic and polar, at codon 57 of the HARS protein (p.Lys57Arg).

NM_002109.6(HARS1):c.170A>G (p.Lys57Arg)

Gene: HARS1 (histidyl-tRNA synthetase 1; minus strand). Cytogenetic location: 5q31.3.
Variant type: single nucleotide variant.
Coding change: c.170A>G on transcript NM_002109.6 (MANE Select); coding-DNA position 170, A replaced by G.
Protein change: p.Lys57Arg; replaces lysine 57 with arginine.
Molecular consequence: missense variant.
Genome position (GRCh38, 1-based): chr5:140,690,865, T>C on the plus strand (A>G on the coding strand, the complement: HARS1 is on the minus strand). VCF-style: chr5-140690865-T-C. GRCh37 (hg19) VCF-style: chr5-140070450-T-C.
Other names: c.170A>G, p.Lys57Arg (NM_001258040.3, NM_001258041.3, NM_001258042.3 and 2 more transcripts); c.83A>G, p.Lys28Arg (NM_001289094.2); short protein forms K28R, K57R.
Identifiers: ClinVar variation 2192486 (VCV002192486.4), dbSNP rs1486367666, ClinGen allele CA361191371.